The following is an entry in ClinVar:

ClinVar aggregate classification (germline): Benign. Review status: criteria provided, multiple submitters, no conflicts (2 of 4 stars). 3 submissions from 3 submitters: Benign (3). Last evaluated 2018-01-12.

Conditions:
Maturity-onset diabetes of the young type 3. Also called: MODY type 3; MODY, type III. Identifiers: Orphanet 552, MedGen C1838100, MeSH C563933, MONDO:0010894, OMIM 600496. Disease mechanism: loss of function.
Type 2 diabetes mellitus. Also called: Type II diabetes mellitus. Identifiers: MedGen C0011860, MeSH D003924, MONDO:0005148, OMIM 125853, HP:0005978.

Allele frequency attached by ClinVar (database versions not stated): gnomAD 0.30485 and 0.31650; TOPMed 0.30890; 1000 Genomes Project 30x 0.35056; 1000 Genomes Project 0.36002; gnomAD exomes 0.39876.
gnomAD v4.1: 163,382 of 441,510 alleles (37%); highest among the groups gnomAD compares: Middle Eastern, 57%; 32,923 homozygotes.

Submissions (3):

Illumina Laboratory Services, Illumina
Classification: Benign for Maturity-onset diabetes of the young type 3. Last evaluated: 2018-01-12. Review status: criteria provided, single submitter. Criteria: ICSL Variant Classification Criteria 13 December 2019. Collection method: clinical testing. Allele origin: germline.
Comment: This variant was observed in the ICSL laboratory as part of a predisposition screen in an ostensibly healthy population. It had not been previously curated by ICSL or reported in the Human Gene Mutation Database (HGMD: prior to June 1st, 2018), and was therefore a candidate for classification through an automated scoring system. Utilizing variant allele frequency, disease prevalence and penetrance estimates, and inheritance mode, an automated score was calculated to assess if this variant is too frequent to cause the disease. Based on the score and internal cut-off values, a variant classified as benign is not then subjected to further curation. The score for this variant resulted in a classification of benign for this disease.

Breakthrough Genomics
Classification: Benign. Review status: criteria provided, single submitter. Criteria: ACMG Guidelines, 2015. Collection method: not provided. Allele origin: germline. Inheritance: Autosomal dominant inheritance. Affected: yes.

Clinical Genomics, Uppaluri K&H Personalized Medicine Clinic
Classification: Benign for Type 2 diabetes mellitus. Review status: criteria provided, single submitter. Criteria: K&H Uppaluri Personalized Medicine Clinic Variant Classification & Assertion Criteria. Collection method: research. Allele origin: somatic. Inheritance: Autosomal dominant inheritance. Affected: yes.
Comment: Mutations in this gene can predispose to MODY3. It is associated with both micro and macrovascular complications of diabetes, especially cardiovascular complications. Associated with glucosuria. May respond well to sulfonylureas.

Literature cited by the submitters: PubMed 25057215 (cited by Clinical Genomics, Uppaluri K&H Personalized Medicine Clinic).

NM_000545.8(HNF1A):c.*438G>A

Genes: C12orf43 (chromosome 12 open reading frame 43; minus strand), HNF1A (HNF1 homeobox A; plus strand). Cytogenetic location: 12q24.31.
Variant type: single nucleotide variant.
Coding change: c.*438G>A on transcript NM_000545.8 (MANE Select); 438 bases downstream of the stop codon, G replaced by A.
Molecular consequence: 3 prime UTR variant.
Genome position (GRCh38, 1-based): chr12:121,001,630, G>A. VCF-style: chr12-121001630-G-A. GRCh37 (hg19) VCF-style: chr12-121439433-G-A.
Other names: c.*2523C>T (NM_001286191.2, NM_001286196.2, NM_022895.3); c.*438G>A (NM_001306179.2, NM_001406915.1).
Identifiers: ClinVar variation 307468 (VCV000307468.7), dbSNP rs1169310, ClinGen allele CA10636634.